The following is an entry in ClinVar:

ClinVar aggregate classification (germline): Uncertain significance (1 of 4 stars; one submission).

Allele frequency attached by ClinVar (database versions not stated): ExAC 0.00002; TOPMed 0.00002.
gnomAD v4.1: 8 of 1,612,780 alleles (0.0005%); highest among the groups gnomAD compares: Admixed American, 0.0067%; no homozygotes.

Submission:

Labcorp Genetics (formerly Invitae), Labcorp
Classification: Uncertain significance. Last evaluated: 2025-10-31. Review status: criteria provided, single submitter. Criteria: Invitae Variant Classification Sherloc (09022015). Collection method: clinical testing. Allele origin: germline.
Comment: This sequence change replaces threonine, which is neutral and polar, with alanine, which is neutral and non-polar, at codon 304 of the DNAJC17 protein (p.Thr304Ala). This variant is present in population databases (rs776569454, gnomAD 0.01%). This variant has not been reported in the literature in individuals affected with DNAJC17-related conditions. ClinVar contains an entry for this variant (Variation ID: 1390095). An algorithm developed to predict the effect of missense changes on protein structure and function (PolyPhen-2) suggests that this variant is likely to be disruptive. In summary, the available evidence is currently insufficient to determine the role of this variant in disease. Therefore, it has been classified as a Variant of Uncertain Significance.

NM_018163.3(DNAJC17):c.910A>G (p.Thr304Ala)

Gene: DNAJC17 (DnaJ heat shock protein family (Hsp40) member C17; minus strand). Cytogenetic location: 15q15.1.
Variant type: single nucleotide variant.
Coding change: c.910A>G on transcript NM_018163.3 (MANE Select); coding-DNA position 910, A replaced by G.
Protein change: p.Thr304Ala; replaces threonine 304 with alanine.
Molecular consequence: missense variant.
Genome position (GRCh38, 1-based): chr15:40,767,945, T>C on the plus strand (A>G on the coding strand, the complement: DNAJC17 is on the minus strand). VCF-style: chr15-40767945-T-C. GRCh37 (hg19) VCF-style: chr15-41060143-T-C.
Other names: short protein forms T304A.
Identifiers: ClinVar variation 1390095 (VCV001390095.6), dbSNP rs776569454, ClinGen allele CA7484906.